The following is an entry in ClinVar:

NM_001080449.3(DNA2):c.428G>A (p.Ser143Asn)

Gene: DNA2 (DNA replication helicase/nuclease 2; minus strand). Cytogenetic location: 10q21.3.
Variant type: single nucleotide variant.
Coding change: c.428G>A on transcript NM_001080449.3 (MANE Select); coding-DNA position 428, G replaced by A.
Protein change: p.Ser143Asn; replaces serine 143 with asparagine.
Molecular consequence: missense variant. On other transcripts: non-coding transcript variant (1).
Genome position (GRCh38, 1-based): chr10:68,468,136, C>T on the plus strand (G>A on the coding strand, the complement: DNA2 is on the minus strand). VCF-style: chr10-68468136-C-T. GRCh37 (hg19) VCF-style: chr10-70227893-C-T.
Other names: short protein forms S143N.
Identifiers: ClinVar variation 2804027 (VCV002804027.3), dbSNP rs759999177, ClinGen allele CA5525305.

ClinVar aggregate classification (germline): Uncertain significance (1 of 4 stars; one submission).

Allele frequency attached by ClinVar (database versions not stated): ExAC 0.00001; gnomAD exomes 0.00001.
gnomAD v4.1: 8 of 1,582,602 alleles (0.00051%); highest among the groups gnomAD compares: Non-Finnish European, 0.00017%; no homozygotes.

Submission:

Labcorp Genetics (formerly Invitae), Labcorp
Classification: Uncertain significance. Last evaluated: 2023-01-04. Review status: criteria provided, single submitter. Criteria: Invitae Variant Classification Sherloc (09022015). Collection method: clinical testing. Allele origin: germline.
Comment: In summary, the available evidence is currently insufficient to determine the role of this variant in disease. Therefore, it has been classified as a Variant of Uncertain Significance. Advanced modeling of protein sequence and biophysical properties (such as structural, functional, and spatial information, amino acid conservation, physicochemical variation, residue mobility, and thermodynamic stability) performed at Invitae indicates that this missense variant is not expected to disrupt DNA2 protein function. This variant has not been reported in the literature in individuals affected with DNA2-related conditions. This variant is present in population databases (rs759999177, gnomAD 0.0009%). This sequence change replaces serine, which is neutral and polar, with asparagine, which is neutral and polar, at codon 143 of the DNA2 protein (p.Ser143Asn).